The following is an entry in ClinVar:

ClinVar aggregate classification (germline): Likely benign (1 of 4 stars; one submission).

Allele frequency attached by ClinVar (database versions not stated): TOPMed below 0.00001 and 0.00001; gnomAD 0.00001.
gnomAD v4.1: 1 of 1,614,046 alleles (0.000062%); highest among the groups gnomAD compares: African/African-American, 0.0013%; no homozygotes.

Submission:

Laboratory for Molecular Medicine, Mass General Brigham Personalized Medicine
Classification: Likely benign. Last evaluated: 2017-03-30. Review status: criteria provided, single submitter. Criteria: LMM Criteria. Collection method: clinical testing. Allele origin: germline. Observed: 1 variant allele.
Comment: p.Leu76Leu in exon 5 of DTNA: This variant is not expected to have clinical sign ificance because it does not alter an amino acid residue and is not located with in the splice consensus sequence. It was absent from large population studies.

NM_001386795.1(DTNA):c.228C>T (p.Leu76=)

Gene: DTNA (dystrobrevin alpha; plus strand). Cytogenetic location: 18q12.1.
Variant type: single nucleotide variant.
Coding change: c.228C>T on transcript NM_001386795.1 (MANE Select); coding-DNA position 228, C replaced by T.
Protein change: p.Leu76=; no amino-acid change (leucine 76 retained).
Molecular consequence: synonymous variant.
Genome position (GRCh38, 1-based): chr18:34,794,116, C>T. VCF-style: chr18-34794116-C-T. GRCh37 (hg19) VCF-style: chr18-32374080-C-T.
Other names: c.228C>T, p.Leu76= (NM_001128175.2, NM_001198938.2, NM_001198939.2 and 35 more transcripts).
Identifiers: ClinVar variation 517255 (VCV000517255.4), dbSNP rs1002773493, ClinGen allele CA298587998.